The following is an entry in ClinVar:

NM_000094.4(COL7A1):c.7421G>A (p.Arg2474His)

Gene: COL7A1 (collagen type VII alpha 1 chain; minus strand). Cytogenetic location: 3p21.31.
Variant type: single nucleotide variant.
Coding change: c.7421G>A on transcript NM_000094.4 (MANE Select); coding-DNA position 7421, G replaced by A.
Protein change: p.Arg2474His; replaces arginine 2474 with histidine.
Molecular consequence: missense variant.
Genome position (GRCh38, 1-based): chr3:48,570,294, C>T on the plus strand (G>A on the coding strand, the complement: COL7A1 is on the minus strand). VCF-style: chr3-48570294-C-T. GRCh37 (hg19) VCF-style: chr3-48607727-C-T.
Other names: short protein forms R2474H.
Identifiers: ClinVar variation 1395015 (VCV001395015.4), dbSNP rs988796477, ClinGen allele CA73974134.

ClinVar aggregate classification (germline): Uncertain significance (1 of 4 stars; one submission).

Allele frequency attached by ClinVar (database versions not stated): gnomAD 0.00001; gnomAD exomes 0.00001; TOPMed 0.00001.
gnomAD v4.1: 6 of 1,613,956 alleles (0.00037%); highest among the groups gnomAD compares: East Asian, 0.0045%; no homozygotes.

Submission:

Labcorp Genetics (formerly Invitae), Labcorp
Classification: Uncertain significance. Last evaluated: 2025-06-15. Review status: criteria provided, single submitter. Criteria: Invitae Variant Classification Sherloc (09022015). Collection method: clinical testing. Allele origin: germline.
Comment: This sequence change replaces arginine, which is basic and polar, with histidine, which is basic and polar, at codon 2474 of the COL7A1 protein (p.Arg2474His). This variant is present in population databases (no rsID available, gnomAD 0.01%). This variant has not been reported in the literature in individuals affected with COL7A1-related conditions. ClinVar contains an entry for this variant (Variation ID: 1395015). Invitae Evidence Modeling of protein sequence and biophysical properties (such as structural, functional, and spatial information, amino acid conservation, physicochemical variation, residue mobility, and thermodynamic stability) has been performed for this missense variant. However, the output from this modeling did not meet the statistical confidence thresholds required to predict the impact of this variant on COL7A1 protein function. In summary, the available evidence is currently insufficient to determine the role of this variant in disease. Therefore, it has been classified as a Variant of Uncertain Significance.